The following is an entry in ClinVar:

ClinVar aggregate classification (germline): Pathogenic/Likely pathogenic. Review status: criteria provided, multiple submitters, no conflicts (2 of 4 stars). 2 submissions from 2 submitters: Pathogenic (1); Likely pathogenic (1). Last evaluated 2024-04-04.

Conditions:
Primary ciliary dyskinesia. Also called: Ciliary dyskinesia. Identifiers: Orphanet 244, MedGen C0008780, MONDO:0016575, HP:0012265.
Primary ciliary dyskinesia 3. Identifiers: Orphanet 244, MedGen C1837618, MONDO:0012085, OMIM 608644.

Submissions (2):

Fulgent Genetics
Classification: Likely pathogenic for Primary ciliary dyskinesia 3. Last evaluated: 2024-04-04. Review status: criteria provided, single submitter. Criteria: ACMG Guidelines, 2015. Collection method: clinical testing. Allele origin: germline.

Labcorp Genetics (formerly Invitae), Labcorp
Classification: Pathogenic for Primary ciliary dyskinesia. Last evaluated: 2020-10-06. Review status: criteria provided, single submitter. Criteria: Invitae Variant Classification Sherloc (09022015). Collection method: clinical testing. Allele origin: germline.
Comment: Loss-of-function variants in DNAH5 are known to be pathogenic (PMID: 11788826, 16627867). For these reasons, this variant has been classified as Pathogenic. This variant has not been reported in the literature in individuals with DNAH5-related conditions. ClinVar contains an entry for this variant (Variation ID: 525310). This variant is not present in population databases (ExAC no frequency). This sequence change creates a premature translational stop signal (p.Gln4196*) in the DNAH5 gene. It is expected to result in an absent or disrupted protein product.

Literature cited by the submitters: PubMed 11788826 (cited by Labcorp Genetics (formerly Invitae), Labcorp); PubMed 16627867 (cited by Labcorp Genetics (formerly Invitae), Labcorp).

NM_001369.3(DNAH5):c.12586C>T (p.Gln4196Ter)

Gene: DNAH5 (dynein axonemal heavy chain 5; minus strand). Cytogenetic location: 5p15.2.
Variant type: single nucleotide variant.
Coding change: c.12586C>T on transcript NM_001369.3 (MANE Select); coding-DNA position 12586, C replaced by T.
Protein change: p.Gln4196Ter; replaces glutamine 4196 with a stop codon.
Molecular consequence: nonsense.
Genome position (GRCh38, 1-based): chr5:13,717,434, G>A on the plus strand (C>T on the coding strand, the complement: DNAH5 is on the minus strand). VCF-style: chr5-13717434-G-A. GRCh37 (hg19) VCF-style: chr5-13717543-G-A.
Other names: short protein forms Q4196*.
Identifiers: ClinVar variation 525310 (VCV000525310.8), dbSNP rs886059965, ClinGen allele CA359207619.